The following is an entry in ClinVar:

NM_017612.5(ZCCHC8):c.1226C>T (p.Ala409Val)

Gene: ZCCHC8 (zinc finger CCHC-type containing 8; minus strand). Cytogenetic location: 12q24.31.
Variant type: single nucleotide variant.
Coding change: c.1226C>T on transcript NM_017612.5 (MANE Select); coding-DNA position 1226, C replaced by T.
Protein change: p.Ala409Val; replaces alanine 409 with valine.
Molecular consequence: missense variant.
Genome position (GRCh38, 1-based): chr12:122,478,207, G>A on the plus strand (C>T on the coding strand, the complement: ZCCHC8 is on the minus strand). VCF-style: chr12-122478207-G-A. GRCh37 (hg19) VCF-style: chr12-122962754-G-A.
Other names: c.995C>T, p.Ala332Val (NM_001350935.2); c.929C>T, p.Ala310Val (NM_001350936.2); c.512C>T, p.Ala171Val (NM_001350937.2, NM_001350938.2); c.1226C>T (NM_017612.3); short protein forms A310V, A409V, A332V, A171V.
Identifiers: ClinVar variation 1425147 (VCV001425147.7), dbSNP rs201799696, ClinGen allele CA6846254.
Genomic context (GRCh38, chr12:122,478,207, plus strand): 5'-TTACACAATCTCGCAGACACAACAACATTTTATAGAGCACACCCTTAAAATCTATTTACC[G>A]CTTGGAAGTTAGAAGTAAGGTAATTGGCAAACACATCCTTCTGCTGACATGCCTGCATTG-3'
Protein context (NP_060082.2, residues 399-419): FANYLTSNFQ[Ala409Val]PGVKSGNKRS

ClinVar aggregate classification (germline): Uncertain significance. Review status: criteria provided, multiple submitters, no conflicts (2 of 4 stars). 2 submissions from 2 submitters: Uncertain significance (2). Last evaluated 2025-12-12.

Allele frequency attached by ClinVar (database versions not stated): ESP Exome Variant Server 0.00008.
gnomAD v4.1: 13 of 1,589,244 alleles (0.00082%); highest among the groups gnomAD compares: Admixed American, 0.0071%; no homozygotes.

Submissions (2):

Labcorp Genetics (formerly Invitae), Labcorp
Classification: Uncertain significance. Last evaluated: 2025-12-12. Review status: criteria provided, single submitter. Criteria: Invitae Variant Classification Sherloc (09022015). Collection method: clinical testing. Allele origin: germline.
Comment: This sequence change replaces alanine, which is neutral and non-polar, with valine, which is neutral and non-polar, at codon 409 of the ZCCHC8 protein (p.Ala409Val). The frequency data for this variant in the population databases is considered unreliable, as metrics indicate poor data quality at this position in the gnomAD database. This variant has not been reported in the literature in individuals affected with ZCCHC8-related conditions. ClinVar contains an entry for this variant (Variation ID: 1425147). An algorithm developed to predict the effect of missense changes on protein structure and function outputs the following: PolyPhen-2: "Not Available". The valine amino acid residue is found in multiple mammalian species, which suggests that this missense change does not adversely affect protein function. Algorithms developed to predict the effect of sequence changes on RNA splicing suggest that this variant may disrupt the consensus splice site. In summary, the available evidence is currently insufficient to determine the role of this variant in disease. Therefore, it has been classified as a Variant of Uncertain Significance.

Ambry Genetics
Classification: Uncertain significance. Last evaluated: 2025-08-24. Review status: criteria provided, single submitter. Criteria: Ambry Variant Classification Scheme 2023. Collection method: clinical testing. Allele origin: germline.